The following is an entry in ClinVar:

NM_005876.5(SPEG):c.9566A>G (p.Gln3189Arg)

Genes: ASIC4-AS1 (ASIC4 antisense RNA 1; minus strand), SPEG (striated muscle enriched protein kinase; plus strand). Cytogenetic location: 2q35.
Variant type: single nucleotide variant.
Coding change: c.9566A>G on transcript NM_005876.5 (MANE Select); coding-DNA position 9566, A replaced by G.
Protein change: p.Gln3189Arg; replaces glutamine 3189 with arginine.
Molecular consequence: missense variant.
Genome position (GRCh38, 1-based): chr2:219,492,215, A>G. VCF-style: chr2-219492215-A-G. GRCh37 (hg19) VCF-style: chr2-220356937-A-G.
Other names: short protein forms Q3189R.
Identifiers: ClinVar variation 3448356 (VCV003448356.2).

ClinVar aggregate classification (germline): Uncertain significance. Review status: criteria provided, multiple submitters, no conflicts (2 of 4 stars). 2 submissions from 2 submitters: Uncertain significance (2). Last evaluated 2025-11-22.

Conditions:
Inborn genetic diseases. Identifiers: MedGen C0950123, MeSH D030342.

gnomAD v4.1: 3 of 1,613,604 alleles (0.00019%); highest among the groups gnomAD compares: Non-Finnish European, 0.00025%; no homozygotes.

Submissions (2):

Labcorp Genetics (formerly Invitae), Labcorp
Classification: Uncertain significance. Last evaluated: 2025-11-22. Review status: criteria provided, single submitter. Criteria: Invitae Variant Classification Sherloc (09022015). Collection method: clinical testing. Allele origin: germline.
Comment: This sequence change replaces glutamine, which is neutral and polar, with arginine, which is basic and polar, at codon 3189 of the SPEG protein (p.Gln3189Arg). This variant is not present in population databases (gnomAD no frequency). This variant has not been reported in the literature in individuals affected with SPEG-related conditions. ClinVar contains an entry for this variant (Variation ID: 3448356). An algorithm developed to predict the effect of missense changes on protein structure and function (PolyPhen-2) suggests that this variant is likely to be disruptive. In summary, the available evidence is currently insufficient to determine the role of this variant in disease. Therefore, it has been classified as a Variant of Uncertain Significance.

Ambry Genetics
Classification: Uncertain significance for Inborn genetic diseases. Last evaluated: 2024-09-03. Review status: criteria provided, single submitter. Criteria: Ambry Variant Classification Scheme 2023. Collection method: clinical testing. Allele origin: germline.